The following is an entry in ClinVar:

ClinVar aggregate classification (germline): other (0 of 4 stars; one submission).

Conditions:
Familial colorectal cancer. Identifiers: MedGen CN280943, MONDO:0023113. Disease mechanism: loss of function.

Allele frequency attached by ClinVar (database versions not stated): TOPMed 0.00001; gnomAD 0.00001.
gnomAD v4.1: 2 of 151,584 alleles (0.0013%); highest among the groups gnomAD compares: African/African-American, 0.0024%; no homozygotes.

Submission:

Systems Biology Platform Zhejiang California International NanoSystems Institute
Classification: other for Familial colorectal cancer. Review status: no assertion criteria provided. Collection method: not provided. Allele origin: unknown.
ClinVar note: Converted during submission from cancer to other.

NM_000038.6(APC):c.136-5500T>C

Gene: APC (APC regulator of WNT signaling pathway; plus strand). Cytogenetic location: 5q22.2.
Variant type: single nucleotide variant.
Coding change: c.136-5500T>C on transcript NM_000038.6 (MANE Select); 5500 bases into the intron before coding-DNA position 136, T replaced by C.
Molecular consequence: intron variant.
Genome position (GRCh38, 1-based): chr5:112,760,826, T>C. VCF-style: chr5-112760826-T-C. GRCh37 (hg19) VCF-style: chr5-112096523-T-C.
Other names: c.136-5500T>C (NM_001354895.2, NM_001127510.3, NM_001354896.2 and 2 more transcripts); c.166-5500T>C (NM_001354897.2, NM_001354902.2, NM_001127511.3); c.61-5500T>C (NM_001354898.2, NM_001354904.2); c.-900-5500T>C (NM_001354906.2); c.-42-5500T>C (NM_001354900.2, NM_001354901.2, NM_001354905.2).
Identifiers: ClinVar variation 82376 (VCV000082376.2), dbSNP rs77636537, ClinGen allele CA004829.